The following is an entry in ClinVar:

ClinVar aggregate classification (germline): Uncertain significance (1 of 4 stars; one submission).

Submission:

Labcorp Genetics (formerly Invitae), Labcorp
Classification: Uncertain significance. Last evaluated: 2022-09-27. Review status: criteria provided, single submitter. Criteria: Invitae Variant Classification Sherloc (09022015). Collection method: clinical testing. Allele origin: germline.
Comment: In summary, the available evidence is currently insufficient to determine the role of this variant in disease. Therefore, it has been classified as a Variant of Uncertain Significance. Algorithms developed to predict the effect of sequence changes on RNA splicing suggest that this variant may disrupt the consensus splice site. Advanced modeling of protein sequence and biophysical properties (such as structural, functional, and spatial information, amino acid conservation, physicochemical variation, residue mobility, and thermodynamic stability) performed at Invitae indicates that this missense variant is expected to disrupt ABCC6 protein function. ClinVar contains an entry for this variant (Variation ID: 1497292). This variant has not been reported in the literature in individuals affected with ABCC6-related conditions. This variant is not present in population databases (gnomAD no frequency). This sequence change replaces lysine, which is basic and polar, with arginine, which is basic and polar, at codon 669 of the ABCC6 protein (p.Lys669Arg).

NM_001171.6(ABCC6):c.2006A>G (p.Lys669Arg)

Gene: ABCC6 (ATP binding cassette subfamily C member 6; minus strand). Cytogenetic location: 16p13.11.
Variant type: single nucleotide variant.
Coding change: c.2006A>G on transcript NM_001171.6 (MANE Select); coding-DNA position 2006, A replaced by G.
Protein change: p.Lys669Arg; replaces lysine 669 with arginine.
Molecular consequence: missense variant. On other transcripts: non-coding transcript variant (1).
Genome position (GRCh38, 1-based): chr16:16,182,868, T>C on the plus strand (A>G on the coding strand, the complement: ABCC6 is on the minus strand). VCF-style: chr16-16182868-T-C. GRCh37 (hg19) VCF-style: chr16-16276725-T-C.
Other names: c.1664A>G, p.Lys555Arg (NM_001351800.1); short protein forms K669R, K555R.
Identifiers: ClinVar variation 1497292 (VCV001497292.6), dbSNP rs2152259690, ClinGen allele CA394888730.